The following is an entry in ClinVar:

ClinVar aggregate classification (germline): Benign (1 of 4 stars; one submission).

gnomAD v4.1: 13,917 of 1,569,824 alleles (0.89%); highest among the groups gnomAD compares: Non-Finnish European, 1%; 84 homozygotes.

Submission:

CeGaT Center for Human Genetics Tuebingen
Classification: Benign. Last evaluated: 2024-10-01. Review status: criteria provided, single submitter. Criteria: CeGaT Center For Human Genetics Tuebingen Variant Classification Criteria Version 2. Collection method: clinical testing. Allele origin: germline. Affected: yes. Observed: 1 variant allele.
Comment: ANKRD12: BP4, BS1, BS2

NM_015208.5(ANKRD12):c.2206A>G (p.Thr736Ala)

Gene: ANKRD12 (ankyrin repeat domain 12; plus strand). Cytogenetic location: 18p11.22.
Variant type: single nucleotide variant.
Coding change: c.2206A>G on transcript NM_015208.5 (MANE Select); coding-DNA position 2206, A replaced by G.
Protein change: p.Thr736Ala; replaces threonine 736 with alanine.
Molecular consequence: missense variant.
Genome position (GRCh38, 1-based): chr18:9,255,473, A>G. VCF-style: chr18-9255473-A-G. GRCh37 (hg19) VCF-style: chr18-9255471-A-G.
Other names: c.2137A>G, p.Thr713Ala (NM_001083625.3, NM_001204056.1); short protein forms T713A, T736A.
Identifiers: ClinVar variation 3387929 (VCV003387929.14).